The following is an entry in ClinVar:

NM_002474.3(MYH11):c.4171G>C (p.Glu1391Gln)

Genes: MYH11 (myosin heavy chain 11; minus strand), NDE1 (nudE neurodevelopment protein 1; plus strand). Cytogenetic location: 16p13.11.
Variant type: single nucleotide variant.
Coding change: c.4171G>C on transcript NM_002474.3 (MANE Select); coding-DNA position 4171, G replaced by C.
Protein change: p.Glu1391Gln; replaces glutamic acid 1391 with glutamine.
Molecular consequence: missense variant. On other transcripts: 3 prime UTR variant (2).
Genome position (GRCh38, 1-based): chr16:15,724,355, C>G on the plus strand (G>C on the coding strand, the complement: MYH11 is on the minus strand). VCF-style: chr16-15724355-C-G. GRCh37 (hg19) VCF-style: chr16-15818212-C-G.
Other names: c.4192G>C, p.Glu1398Gln (NM_001040113.2, NM_001040114.2); c.4171G>C, p.Glu1391Gln (NM_022844.3); c.*104C>G (NM_001143979.2, NM_017668.3); short protein forms E1391Q, E1398Q.
Identifiers: ClinVar variation 5025074 (VCV005025074.1).

ClinVar aggregate classification (germline): Uncertain significance (1 of 4 stars; one submission).

Conditions:
Familial thoracic aortic aneurysm and aortic dissection (TAAD). Also called: Thoracic aortic aneurysms and dissections. Identifiers: Orphanet 91387, MedGen C4707243, MONDO:0019625.

Submission:

Ambry Genetics
Classification: Uncertain significance for Familial thoracic aortic aneurysm and aortic dissection. Last evaluated: 2026-07-02. Review status: criteria provided, single submitter. Criteria: Ambry Variant Classification Scheme 2023. Collection method: clinical testing. Allele origin: germline.
Comment: The p.E1391Q variant (also known as c.4171G>C), located in coding exon 30 of the MYH11 gene, results from a G to C substitution at nucleotide position 4171. The glutamic acid at codon 1391 is replaced by glutamine, an amino acid with highly similar properties. This amino acid position is conserved. In addition, the in silico prediction for this alteration is inconclusive. Based on the available evidence, the clinical significance of this variant remains unclear.